The following is an entry in ClinVar:

ClinVar aggregate classification (germline): Uncertain significance (1 of 4 stars; one submission).

Conditions:
Dextro-looped transposition of the great arteries. Also called: Dextrotransposition of the great arteries. Identifiers: Orphanet 860, MedGen C3531771, MONDO:0019443, OMIM 608808, HP:0031348.

gnomAD v4.1: 22 of 1,613,524 alleles (0.0014%); highest among the groups gnomAD compares: Non-Finnish European, 0.0015%; no homozygotes.

Submission:

Labcorp Genetics (formerly Invitae), Labcorp
Classification: Uncertain significance for Dextro-looped transposition of the great arteries. Last evaluated: 2024-06-04. Review status: criteria provided, single submitter. Criteria: Invitae Variant Classification Sherloc (09022015). Collection method: clinical testing. Allele origin: germline.
Comment: This sequence change replaces lysine, which is basic and polar, with glutamic acid, which is acidic and polar, at codon 137 of the MED13L protein (p.Lys137Glu). This variant is present in population databases (rs138977360, gnomAD 0.002%). This variant has not been reported in the literature in individuals affected with MED13L-related conditions. Advanced modeling of protein sequence and biophysical properties (such as structural, functional, and spatial information, amino acid conservation, physicochemical variation, residue mobility, and thermodynamic stability) performed at Invitae indicates that this missense variant is expected to disrupt MED13L protein function with a positive predictive value of 80%. In summary, the available evidence is currently insufficient to determine the role of this variant in disease. Therefore, it has been classified as a Variant of Uncertain Significance.

NM_015335.5(MED13L):c.409A>G (p.Lys137Glu)

Gene: MED13L (mediator complex subunit 13L; minus strand). Cytogenetic location: 12q24.21.
Variant type: single nucleotide variant.
Coding change: c.409A>G on transcript NM_015335.5 (MANE Select); coding-DNA position 409, A replaced by G.
Protein change: p.Lys137Glu; replaces lysine 137 with glutamic acid.
Molecular consequence: missense variant.
Genome position (GRCh38, 1-based): chr12:116,096,739, T>C on the plus strand (A>G on the coding strand, the complement: MED13L is on the minus strand). VCF-style: chr12-116096739-T-C. GRCh37 (hg19) VCF-style: chr12-116534544-T-C.
Other names: short protein forms K137E.
Identifiers: ClinVar variation 3668011 (VCV003668011.2).